The following is an entry in ClinVar:

ClinVar aggregate classification (germline): Benign. Review status: criteria provided, multiple submitters, no conflicts (2 of 4 stars). 3 submissions from 2 submitters: Benign (3). Last evaluated 2018-01-13.

Conditions:
Cranioectodermal dysplasia 2 (CED2). Identifiers: Orphanet 1515, MedGen C3150874, MONDO:0013323, OMIM 613610.
Short-rib thoracic dysplasia 7 with or without polydactyly (SRTD7). Also called: SHORT-RIB THORACIC DYSPLASIA 7 WITH POLYDACTYLY; Short rib polydactyly syndrome 5. Identifiers: Orphanet 498497, Orphanet 93271, MedGen C3279792, MONDO:0013569, OMIM 614091.

Allele frequency attached by ClinVar (database versions not stated): gnomAD 0.03646 and 0.03733; TOPMed 0.04278; 1000 Genomes Project 30x 0.05856; 1000 Genomes Project 0.06370.

Submissions (3):

Illumina Laboratory Services, Illumina
Classification: Benign for Short-rib thoracic dysplasia 7 with or without polydactyly. Last evaluated: 2018-01-13. Review status: criteria provided, single submitter. Criteria: ICSL Variant Classification Criteria 13 December 2019. Collection method: clinical testing. Allele origin: germline.
Comment: This variant was observed in the ICSL laboratory as part of a predisposition screen in an ostensibly healthy population. It had not been previously curated by ICSL or reported in the Human Gene Mutation Database (HGMD: prior to June 1st, 2018), and was therefore a candidate for classification through an automated scoring system. Utilizing variant allele frequency, disease prevalence and penetrance estimates, and inheritance mode, an automated score was calculated to assess if this variant is too frequent to cause the disease. Based on the score and internal cut-off values, a variant classified as benign is not then subjected to further curation. The score for this variant resulted in a classification of benign for this disease.

Illumina Laboratory Services, Illumina
Classification: Benign for Cranioectodermal dysplasia 2. Last evaluated: 2018-01-13. Review status: criteria provided, single submitter. Criteria: ICSL Variant Classification Criteria 13 December 2019. Collection method: clinical testing. Allele origin: germline.
Comment: the same text as in the submission from Illumina Laboratory Services, Illumina above.

Breakthrough Genomics
Classification: Benign. Review status: criteria provided, single submitter. Criteria: ACMG Guidelines, 2015. Collection method: not provided. Allele origin: germline. Inheritance: Autosomal recessive inheritance. Affected: yes.

NM_020779.4(WDR35):c.*2957G>A

Gene: WDR35 (WD repeat domain 35; minus strand). Cytogenetic location: 2p24.1.
Variant type: single nucleotide variant.
Coding change: c.*2957G>A on transcript NM_020779.4 (MANE Select); 2957 bases downstream of the stop codon, G replaced by A.
Molecular consequence: 3 prime UTR variant.
Genome position (GRCh38, 1-based): chr2:19,910,601, C>T on the plus strand (G>A on the coding strand, the complement: WDR35 is on the minus strand). VCF-style: chr2-19910601-C-T. GRCh37 (hg19) VCF-style: chr2-20110362-C-T.
Other names: c.*2957G>A (NM_001006657.2).
Identifiers: ClinVar variation 333324 (VCV000333324.6), dbSNP rs76072774, ClinGen allele CA10612289.